The following is an entry in ClinVar:

NM_004736.4(XPR1):c.2048C>G (p.Thr683Ser)

Gene: XPR1 (xenotropic and polytropic retrovirus receptor 1; plus strand). Cytogenetic location: 1q25.3.
Variant type: single nucleotide variant.
Coding change: c.2048C>G on transcript NM_004736.4 (MANE Select); coding-DNA position 2048, C replaced by G.
Protein change: p.Thr683Ser; replaces threonine 683 with serine.
Molecular consequence: missense variant. On other transcripts: non-coding transcript variant (1).
Genome position (GRCh38, 1-based): chr1:180,884,023, C>G. VCF-style: chr1-180884023-C-G. GRCh37 (hg19) VCF-style: chr1-180853159-C-G.
Other names: c.1853C>G, p.Thr618Ser (NM_001135669.2); short protein forms T618S, T683S.
Identifiers: ClinVar variation 2716285 (VCV002716285.3), dbSNP rs1571259332, ClinGen allele CA343599544.
Genomic context (GRCh38, chr1:180,884,023, plus strand): 5'-GGGTAATGGACTAAGTGCTTTTTGTCCCCCTTGTTACCACTAGATCCAAGGCTCGTGACA[C>G]TAAGGTATTGATAGAAGACACAGATGATGAAGCTAACACTTGAATTTTCTGAAGTCTAGC-3'
Protein context (NP_004727.2, residues 673-693): RLASQSKARD[Thr683Ser]KVLIEDTDDE

ClinVar aggregate classification (germline): Uncertain significance (1 of 4 stars; one submission).

Allele frequency attached by ClinVar (database versions not stated): gnomAD exomes 0.00001.
gnomAD v4.1: 8 of 1,614,060 alleles (0.0005%); highest among the groups gnomAD compares: African/African-American, 0.011%; no homozygotes.

Submission:

Labcorp Genetics (formerly Invitae), Labcorp
Classification: Uncertain significance. Last evaluated: 2023-03-22. Review status: criteria provided, single submitter. Criteria: Invitae Variant Classification Sherloc (09022015). Collection method: clinical testing. Allele origin: germline.
Comment: This sequence change replaces threonine, which is neutral and polar, with serine, which is neutral and polar, at codon 683 of the XPR1 protein (p.Thr683Ser). This variant is not present in population databases (gnomAD no frequency). This variant has not been reported in the literature in individuals affected with XPR1-related conditions. An algorithm developed to predict the effect of missense changes on protein structure and function (PolyPhen-2) suggests that this variant is likely to be tolerated. In summary, the available evidence is currently insufficient to determine the role of this variant in disease. Therefore, it has been classified as a Variant of Uncertain Significance.